The following is an entry in ClinVar:

NM_000153.4(GALC):c.196-201del

Gene: GALC (galactosylceramidase; minus strand). Cytogenetic location: 14q31.3.
Variant type: Deletion.
Coding change: c.196-201del on transcript NM_000153.4 (MANE Select); 201 bases into the intron before coding-DNA position 196, one base deleted (T; older notation c.196-201delT).
Molecular consequence: intron variant.
Genome position (GRCh38, 1-based): chr14:87,988,724, A deleted on the plus strand (T on the coding strand, the reverse complement: GALC is on the minus strand); the first of 6 consecutive A bases (chr14:87,988,724-87,988,729); deleting any one gives the same sequence. VCF-style (leftmost placement, unchanged base first): chr14-87988723-TA-T. GRCh37 (hg19) VCF-style: chr14-88455067-TA-T.
Other names: c.118-201del (NM_001201402.2); c.196-517del (NM_001201401.2).
Identifiers: ClinVar variation 681825 (VCV000681825.1), dbSNP rs112118889, ClinGen allele CA264712059.

ClinVar aggregate classification (germline): Benign (1 of 4 stars; one submission).

Submission:

GeneDx
Classification: Benign. Last evaluated: 2018-06-19. Review status: criteria provided, single submitter. Criteria: GeneDx Variant Classification (06012015). Collection method: clinical testing. Allele origin: germline. Affected: yes.
Comment: This variant is considered likely benign or benign based on one or more of the following criteria: it is a conservative change, it occurs at a poorly conserved position in the protein, it is predicted to be benign by multiple in silico algorithms, and/or has population frequency not consistent with disease.